The following is an entry in ClinVar:

ClinVar aggregate classification (germline): Uncertain significance (1 of 4 stars; one submission).

Conditions:
Multiple congenital exostosis (EXT). Also called: MULTIPLE CARTILAGINOUS EXOSTOSES; Hereditary multiple osteochondromas; Multiple exostoses; Multiple osteochondromas; Hereditary multiple exostoses; Hereditary multiple exostosis. Identifiers: Orphanet 321, MedGen C0015306, MONDO:0005508, HP:0002762.

Allele frequency attached by ClinVar (database versions not stated): gnomAD exomes below 0.00001; gnomAD 0.00001.
gnomAD v4.1: 4 of 1,613,950 alleles (0.00025%); highest among the groups gnomAD compares: Non-Finnish European, 0.00034%; no homozygotes.

Submission:

Labcorp Genetics (formerly Invitae), Labcorp
Classification: Uncertain significance for Multiple congenital exostosis. Last evaluated: 2022-12-08. Review status: criteria provided, single submitter. Criteria: Invitae Variant Classification Sherloc (09022015). Collection method: clinical testing. Allele origin: germline.
Comment: In summary, the available evidence is currently insufficient to determine the role of this variant in disease. Therefore, it has been classified as a Variant of Uncertain Significance. Advanced modeling of protein sequence and biophysical properties (such as structural, functional, and spatial information, amino acid conservation, physicochemical variation, residue mobility, and thermodynamic stability) performed at Invitae indicates that this missense variant is not expected to disrupt EXT1 protein function. This variant has not been reported in the literature in individuals affected with EXT1-related conditions. This variant is present in population databases (rs200106029, gnomAD 0.007%). This sequence change replaces isoleucine, which is neutral and non-polar, with valine, which is neutral and non-polar, at codon 735 of the EXT1 protein (p.Ile735Val).

NM_000127.3(EXT1):c.2203A>G (p.Ile735Val)

Gene: EXT1 (exostosin glycosyltransferase 1; minus strand). Cytogenetic location: 8q24.11.
Variant type: single nucleotide variant.
Coding change: c.2203A>G on transcript NM_000127.3 (MANE Select); coding-DNA position 2203, A replaced by G.
Protein change: p.Ile735Val; replaces isoleucine 735 with valine.
Molecular consequence: missense variant.
Genome position (GRCh38, 1-based): chr8:117,799,750, T>C on the plus strand (A>G on the coding strand, the complement: EXT1 is on the minus strand). VCF-style: chr8-117799750-T-C. GRCh37 (hg19) VCF-style: chr8-118811989-T-C.
Other names: short protein forms I735V.
Identifiers: ClinVar variation 2919324 (VCV002919324.3), dbSNP rs200106029, ClinGen allele CA184316358.
Genomic context (GRCh38, chr8:117,799,750, plus strand): 5'-CTCCCCCACTCAGCCGGATTCCTCAAAGTCGCTCAATGTCTCGGTATTTCTTCCTCAAAA[T>C]AGAGACCTGGTCTTTAAAGAGGACGGGGTCGAGCCTCATCTGAGAGTGGATCAGCGGCAT-3'
Protein context (NP_000118.2, residues 725-745): DPVLFKDQVS[Ile735Val]LRKKYRDIER